The following is an entry in ClinVar:

NM_015512.5(DNAH1):c.9054T>G (p.Asn3018Lys)

Gene: DNAH1 (dynein axonemal heavy chain 1; plus strand). Cytogenetic location: 3p21.1.
Variant type: single nucleotide variant.
Coding change: c.9054T>G on transcript NM_015512.5 (MANE Select); coding-DNA position 9054, T replaced by G.
Protein change: p.Asn3018Lys; replaces asparagine 3018 with lysine.
Molecular consequence: missense variant.
Genome position (GRCh38, 1-based): chr3:52,388,217, T>G. VCF-style: chr3-52388217-T-G. GRCh37 (hg19) VCF-style: chr3-52422233-T-G.
Other names: short protein forms N3018K.
Identifiers: ClinVar variation 2104809 (VCV002104809.4), dbSNP rs755687272, ClinGen allele CA353193325.

ClinVar aggregate classification (germline): Uncertain significance (1 of 4 stars; one submission).

Conditions:
Spermatogenic failure 18. Identifiers: MedGen C4539783, MONDO:0054615, OMIM 617576.
Ciliary dyskinesia, primary, 37 (CILD37). Also called: CILIARY DYSKINESIA, PRIMARY, 37, WITH OR WITHOUT SITUS INVERSUS. Identifiers: MedGen C4539798, MONDO:0033204, OMIM 617577.

Submission:

Labcorp Genetics (formerly Invitae), Labcorp
Classification: Uncertain significance for Ciliary dyskinesia, primary, 37; Spermatogenic failure 18. Last evaluated: 2023-05-08. Review status: criteria provided, single submitter. Criteria: Invitae Variant Classification Sherloc (09022015). Collection method: clinical testing. Allele origin: germline.
Comment: This variant has not been reported in the literature in individuals affected with DNAH1-related conditions. This variant is not present in population databases (gnomAD no frequency). This sequence change replaces asparagine, which is neutral and polar, with lysine, which is basic and polar, at codon 3018 of the DNAH1 protein (p.Asn3018Lys). ClinVar contains an entry for this variant (Variation ID: 2104809). In summary, the available evidence is currently insufficient to determine the role of this variant in disease. Therefore, it has been classified as a Variant of Uncertain Significance. Advanced modeling of protein sequence and biophysical properties (such as structural, functional, and spatial information, amino acid conservation, physicochemical variation, residue mobility, and thermodynamic stability) performed at Invitae indicates that this missense variant is not expected to disrupt DNAH1 protein function.